The following is an entry in ClinVar:

NM_000038.6(APC):c.5571A>C (p.Ser1857=)

Gene: APC (APC regulator of Wnt signaling pathway; plus strand). Cytogenetic location: 5q22.2.
Variant type: single nucleotide variant.
Coding change: c.5571A>C on transcript NM_000038.6 (MANE Select); coding-DNA position 5571, A replaced by C.
Protein change: p.Ser1857=; no amino-acid change (serine 1857 retained).
Molecular consequence: synonymous variant.
Genome position (GRCh38, 1-based): chr5:112,841,165, A>C. VCF-style: chr5-112841165-A-C. GRCh37 (hg19) VCF-style: chr5-112176862-A-C.
Other names: c.5571A>C, p.Ser1857= (NM_001127510.3, NM_001354895.2); c.5517A>C, p.Ser1839= (NM_001127511.3); c.5625A>C, p.Ser1875= (NM_001354896.2); c.5601A>C, p.Ser1867= (NM_001354897.2); c.5496A>C, p.Ser1832= (NM_001354898.2); c.5487A>C, p.Ser1829= (NM_001354899.2); c.5448A>C, p.Ser1816= (NM_001354900.2); c.5394A>C, p.Ser1798= (NM_001354901.2); and 5 more.
Identifiers: ClinVar variation 183888 (VCV000183888.62), dbSNP rs376624613, ClinGen allele CA010500.
Genomic context (GRCh38, chr5:112,841,165, plus strand): 5'-TTTTGCTTTTGATTCACCTCATCATTACACGCCTATTGAAGGAACTCCTTACTGTTTTTC[A>C]CGAAATGATTCTTTGAGTTCTCTAGATTTTGATGATGATGATGTTGACCTTTCCAGGGAA-3'
Protein context (NP_000029.2, residues 1847-1867): TPIEGTPYCF[Ser1857=]RNDSLSSLDF

ClinVar aggregate classification (germline): Benign/Likely benign. Review status: criteria provided, multiple submitters, no conflicts (2 of 4 stars). 9 submissions from 9 submitters: Benign (1); Likely benign (8). Last evaluated 2026-01-26.

Conditions:
Hereditary cancer-predisposing syndrome. Also called: Tumor predisposition; Hereditary Cancer Syndrome; Hereditary neoplastic syndrome; Neoplastic Syndromes, Hereditary. Identifiers: Orphanet 140162, MedGen C0027672, MeSH D009386, MONDO:0015356.
Classic or attenuated familial adenomatous polyposis. Identifiers: MedGen CN372698, MONDO:0021057.
Familial adenomatous polyposis 1 (FAP1). Also called: FAMILIAL ADENOMATOUS POLYPOSIS 1, ATTENUATED; POLYPOSIS, ADENOMATOUS INTESTINAL. Identifiers: MedGen C2713442, MONDO:0021056, OMIM 175100. Disease mechanism: loss of function.

Allele frequency attached by ClinVar (database versions not stated): TOPMed 0.00003; gnomAD 0.00004 and 0.00003; ESP Exome Variant Server 0.00008; gnomAD exomes below 0.00001 and 0.00001; ExAC 0.00001.
gnomAD v4.1: 11 of 1,613,838 alleles (0.00068%); highest among the groups gnomAD compares: African/African-American, 0.0013%; no homozygotes.

Submissions (9):

Labcorp Genetics (formerly Invitae), Labcorp
Classification: Likely benign for Familial adenomatous polyposis 1. Last evaluated: 2026-01-26. Review status: criteria provided, single submitter. Criteria: Invitae Variant Classification Sherloc (09022015). Collection method: clinical testing. Allele origin: germline.

Myriad Genetics, Inc.
Classification: Benign for Familial adenomatous polyposis 1. Last evaluated: 2024-04-02. Review status: criteria provided, single submitter. Criteria: Myriad Autosomal Dominant, Autosomal Recessive and X-Linked Classification Criteria (2023). Collection method: clinical testing. Allele origin: unknown.
Comment: This variant is considered benign. This variant is a silent/synonymous amino acid change and it is not expected to impact splicing.

All of Us Research Program, National Institutes of Health
Classification: Likely benign for Classic or attenuated familial adenomatous polyposis. Last evaluated: 2024-01-11. Review status: criteria provided, single submitter. Criteria: ACMG Guidelines, 2015. Collection method: clinical testing. Allele origin: germline. Inheritance: Autosomal dominant inheritance. Observed: 4 variant alleles, 4 heterozygotes.
Comment: This study involves interpretation of variants in research participants for the purpose of population health screening. Participant phenotype was not available at the time of variant classification. Additional details can be found in publication PMID: 35346344, PMCID: PMC8962531

Quest Diagnostics Nichols Institute San Juan Capistrano
Classification: Likely benign. Last evaluated: 2020-04-03. Review status: criteria provided, single submitter. Criteria: Quest Diagnostics criteria. Collection method: clinical testing. Allele origin: unknown.

Women's Health and Genetics/Laboratory Corporation of America, LabCorp
Classification: Likely benign. Last evaluated: 2019-08-20. Review status: criteria provided, single submitter. Criteria: LabCorp Variant Classification Summary - May 2015. Collection method: clinical testing. Allele origin: germline.

GeneDx
Classification: Likely benign. Last evaluated: 2019-01-31. Review status: criteria provided, single submitter. Criteria: GeneDx Variant Classification Process June 2021. Collection method: clinical testing. Allele origin: germline. Affected: yes.

PreventionGenetics, part of Exact Sciences
Classification: Likely benign. Last evaluated: 2018-01-04. Review status: criteria provided, single submitter. Criteria: ACMG Guidelines, 2015. Collection method: clinical testing. Allele origin: germline.

Color Diagnostics, LLC DBA Color Health
Classification: Likely benign for Hereditary cancer-predisposing syndrome. Last evaluated: 2017-03-06. Review status: criteria provided, single submitter. Criteria: ACMG Guidelines, 2015. Collection method: clinical testing. Allele origin: germline.

Ambry Genetics
Classification: Likely benign for Hereditary cancer-predisposing syndrome. Last evaluated: 2015-05-15. Review status: criteria provided, single submitter. Criteria: Ambry Variant Classification Scheme 2023. Collection method: clinical testing. Allele origin: germline.